The following is an entry in ClinVar:

ClinVar aggregate classification (germline): Uncertain significance (1 of 4 stars; one submission).

Conditions:
Anophthalmia/microphthalmia-esophageal atresia syndrome (MCOPS3). Also called: SOX2 Disorder; MICROPHTHALMIA AND ESOPHAGEAL ATRESIA SYNDROME; AEG SYNDROME. Identifiers: Orphanet 77298, MedGen C1859773, MONDO:0008799, OMIM 206900.

Submission:

Labcorp Genetics (formerly Invitae), Labcorp
Classification: Uncertain significance for Anophthalmia/microphthalmia-esophageal atresia syndrome. Last evaluated: 2025-03-05. Review status: criteria provided, single submitter. Criteria: Invitae Variant Classification Sherloc (09022015). Collection method: clinical testing. Allele origin: germline.
Comment: This sequence change affects codon 314 of the SOX2 mRNA. It is a 'silent' change, meaning that it does not change the encoded amino acid sequence of the SOX2 protein. This variant is not present in population databases (gnomAD no frequency). This variant has not been reported in the literature in individuals affected with SOX2-related conditions. In summary, the available evidence is currently insufficient to determine the role of this variant in disease. Therefore, it has been classified as a Variant of Uncertain Significance.

NM_003106.4(SOX2):c.942C>G (p.Leu314=)

Genes: SOX2-OT (SOX2 overlapping transcript; plus strand), SOX2 (SRY-box transcription factor 2; plus strand). Cytogenetic location: 3q26.33.
Variant type: single nucleotide variant.
Coding change: c.942C>G on transcript NM_003106.4 (MANE Select); coding-DNA position 942, C replaced by G.
Protein change: p.Leu314=; no amino-acid change (leucine 314 retained).
Molecular consequence: synonymous variant.
Genome position (GRCh38, 1-based): chr3:181,713,302, C>G. VCF-style: chr3-181713302-C-G. GRCh37 (hg19) VCF-style: chr3-181431090-C-G.
Identifiers: ClinVar variation 4714367 (VCV004714367.1).
Genomic context (GRCh38, chr3:181,713,302, plus strand): 5'-GTCCCAGCACTACCAGAGCGGCCCGGTGCCCGGCACGGCCATTAACGGCACACTGCCCCT[C>G]TCACACATGTGAGGGCCGGACAGCGAACTGGAGGGGGGAGAAATTTTCAAAGAAAAACGA-3'
Protein context (NP_003097.1, residues 304-317): PGTAINGTLP[Leu314=]SHM